The following is an entry in ClinVar:

NM_001379500.1(COL18A1):c.1738G>T (p.Gly580Trp)

Gene: COL18A1 (collagen type XVIII alpha 1 chain; plus strand). Cytogenetic location: 21q22.3.
Variant type: single nucleotide variant.
Coding change: c.1738G>T on transcript NM_001379500.1 (MANE Select); coding-DNA position 1738, G replaced by T.
Protein change: p.Gly580Trp; replaces glycine 580 with tryptophan.
Molecular consequence: missense variant.
Genome position (GRCh38, 1-based): chr21:45,486,897, G>T. VCF-style: chr21-45486897-G-T. GRCh37 (hg19) VCF-style: chr21-46906811-G-T.
Other names: c.2278G>T, p.Gly760Trp (NM_030582.4); c.2983G>T, p.Gly995Trp (NM_130444.3); short protein forms G580W, G760W, G995W.
Identifiers: ClinVar variation 2095207 (VCV002095207.4), dbSNP rs2036132996, ClinGen allele CA410496220.

ClinVar aggregate classification (germline): Uncertain significance (1 of 4 stars; one submission).

gnomAD v4.1: 1 of 1,525,402 alleles (0.000066%); no homozygotes.

Submission:

Labcorp Genetics (formerly Invitae), Labcorp
Classification: Uncertain significance. Last evaluated: 2023-08-04. Review status: criteria provided, single submitter. Criteria: Invitae Variant Classification Sherloc (09022015). Collection method: clinical testing. Allele origin: germline.
Comment: In summary, the available evidence is currently insufficient to determine the role of this variant in disease. Therefore, it has been classified as a Variant of Uncertain Significance. Experimental studies and prediction algorithms are not available or were not evaluated, and the functional significance of this variant is currently unknown. ClinVar contains an entry for this variant (Variation ID: 2095207). This variant has not been reported in the literature in individuals affected with COL18A1-related conditions. This variant is not present in population databases (gnomAD no frequency). This sequence change replaces glycine, which is neutral and non-polar, with tryptophan, which is neutral and slightly polar, at codon 580 of the COL18A1 protein (p.Gly580Trp).